The following is an entry in ClinVar:

NM_004586.3(RPS6KA3):c.755G>A (p.Trp252Ter)

Gene: RPS6KA3 (ribosomal protein S6 kinase A3; minus strand). Cytogenetic location: Xp22.12.
Variant type: single nucleotide variant.
Coding change: c.755G>A on transcript NM_004586.3 (MANE Select); coding-DNA position 755, G replaced by A.
Protein change: p.Trp252Ter; replaces tryptophan 252 with a stop codon.
Molecular consequence: nonsense.
Genome position (GRCh38, 1-based): chrX:20,187,847, C>T on the plus strand (G>A on the coding strand, the complement: RPS6KA3 is on the minus strand). VCF-style: chrX-20187847-C-T. GRCh37 (hg19) VCF-style: chrX-20205965-C-T.
Other names: short protein forms W252*.
Identifiers: ClinVar variation 3754683 (VCV003754683.2).

ClinVar aggregate classification (germline): Pathogenic (1 of 4 stars; one submission).

Conditions:
Coffin-Lowry syndrome (CLS). Also called: Mental retardation with osteocartilaginous abnormalities; COFFIN-LOWRY SYNDROME, MILD. Identifiers: Orphanet 192, MedGen C0265252, MONDO:0010561, OMIM 303600.
Intellectual developmental disorder, X-linked 19. Also called: Intellectual disability, X-linked 19. Identifiers: Orphanet 777, MedGen C0796225, MONDO:0010447, OMIM 300844.

Submission:

Labcorp Genetics (formerly Invitae), Labcorp
Classification: Pathogenic for Coffin-Lowry syndrome; Intellectual developmental disorder, X-linked 19. Last evaluated: 2024-02-15. Review status: criteria provided, single submitter. Criteria: Invitae Variant Classification Sherloc (09022015). Collection method: clinical testing. Allele origin: germline.
Comment: This sequence change creates a premature translational stop signal (p.Trp252*) in the RPS6KA3 gene. It is expected to result in an absent or disrupted protein product. Loss-of-function variants in RPS6KA3 are known to be pathogenic (PMID: 9837815, 19888300). This variant is not present in population databases (gnomAD no frequency). This variant has not been reported in the literature in individuals affected with RPS6KA3-related conditions. For these reasons, this variant has been classified as Pathogenic.

Literature cited by the submitters: PubMed 9837815; PubMed 19888300.